The following is an entry in ClinVar:

NM_001164277.2(SLC37A4):c.786-1G>A

Gene: SLC37A4 (solute carrier family 37 member 4; minus strand). Cytogenetic location: 11q23.3.
Variant type: single nucleotide variant.
Coding change: c.786-1G>A on transcript NM_001164277.2 (MANE Select); the canonical splice acceptor site of the intron before coding-DNA position 786, G replaced by A.
Molecular consequence: splice acceptor variant.
Genome position (GRCh38, 1-based): chr11:119,026,689, C>T on the plus strand (G>A on the coding strand, the complement: SLC37A4 is on the minus strand). VCF-style: chr11-119026689-C-T. GRCh37 (hg19) VCF-style: chr11-118897399-C-T.
Other names: c.785-1G>A (NM_001164277.1); c.567-1G>A (NM_001164279.2); c.786-1G>A (NM_001467.6, NM_001164278.2, NM_001164280.2).
Identifiers: ClinVar variation 957121 (VCV000957121.8), dbSNP rs1943578039, ClinGen allele CA382900668.
Genomic context (GRCh38, chr11:119,026,689, plus strand): 5'-AGCCAGCTGCGATGCTGCCTACAAGGCCCCCAACTTCCAGGGCACTCATGTAGGAGCTAC[C>T]TGCAGTAGGGAGTTGTGGTGGGAAGAGGGAAGGGAAGGGTGGGAGGGTGTTACACATTGG-3'

ClinVar aggregate classification (germline): Likely pathogenic (1 of 4 stars; one submission).

Conditions:
Glucose-6-phosphate transport defect (GSD1B). Also called: Glycogen Storage Disease Type Ib; GSD Ib. Identifiers: Orphanet 364, Orphanet 79259, MedGen C0268146, MONDO:0009288, OMIM 232220.

Submission:

Labcorp Genetics (formerly Invitae), Labcorp
Classification: Likely pathogenic for Glucose-6-phosphate transport defect. Last evaluated: 2019-07-06. Review status: criteria provided, single submitter. Criteria: Invitae Variant Classification Sherloc (09022015). Collection method: clinical testing. Allele origin: germline.
Comment: This sequence change affects an acceptor splice site in intron 6 of the SLC37A4 gene. It is expected to disrupt RNA splicing and likely results in an absent or disrupted protein product. This variant is not present in population databases (ExAC no frequency). This variant has not been reported in the literature in individuals with SLC37A4-related conditions. Donor and acceptor splice site variants typically lead to a loss of protein function (PMID: 16199547), and loss-of-function variants in SLC37A4 are known to be pathogenic (PMID: 9758626, 10940311). In summary, the currently available evidence indicates that the variant is pathogenic, but additional data are needed to prove that conclusively. Therefore, this variant has been classified as Likely Pathogenic.

Literature cited by the submitters: PubMed 16199547; PubMed 9758626; PubMed 10940311.